The following is an entry in ClinVar:

ClinVar aggregate classification (germline): Pathogenic (1 of 4 stars; one submission).

Conditions:
Hereditary cancer-predisposing syndrome. Also called: Neoplastic Syndromes, Hereditary; Hereditary Cancer Syndrome; Tumor predisposition; Hereditary neoplastic syndrome. Identifiers: Orphanet 140162, MedGen C0027672, MeSH D009386, MONDO:0015356.

Submission:

Ambry Genetics
Classification: Pathogenic for Hereditary cancer-predisposing syndrome. Last evaluated: 2025-03-10. Review status: criteria provided, single submitter. Criteria: Ambry Variant Classification Scheme 2023. Collection method: clinical testing. Allele origin: germline.
Comment: The p.Q199* pathogenic mutation (also known as c.595C>T), located in coding exon 4 of the SUFU gene, results from a C to T substitution at nucleotide position 595. This changes the amino acid from a glutamine to a stop codon within coding exon 4. This variant was reported in individual(s) with features consistent with SUFU-related disorders (Dege T et al. J Dtsch Dermatol Ges, 2023 Nov;21:1396-1398; Ambry internal data). This variant is considered to be rare based on population cohorts in the Genome Aggregation Database (gnomAD). This alteration is expected to result in loss of function by premature protein truncation or nonsense-mediated mRNA decay. As such, this alteration is interpreted as a disease-causing mutation.

Literature cited by the submitters: PubMed 37658656.

NM_016169.4(SUFU):c.595C>T (p.Gln199Ter)

Gene: SUFU (SUFU negative regulator of hedgehog signaling; plus strand). Cytogenetic location: 10q24.32.
Variant type: single nucleotide variant.
Coding change: c.595C>T on transcript NM_016169.4 (MANE Select); coding-DNA position 595, C replaced by T.
Protein change: p.Gln199Ter; replaces glutamine 199 with a stop codon.
Molecular consequence: nonsense.
Genome position (GRCh38, 1-based): chr10:102,592,722, C>T. VCF-style: chr10-102592722-C-T. GRCh37 (hg19) VCF-style: chr10-104352479-C-T.
Other names: c.595C>T, p.Gln199Ter (NM_001178133.2); short protein forms Q199*.
Identifiers: ClinVar variation 3802909 (VCV003802909.1).
Genomic context (GRCh38, chr10:102,592,722, plus strand): 5'-CTGACAGAGGACCCACAGATGCAGCCCGTGCAGACACCCTTTGGGGTAGTTACCTTCCTC[C>T]AGGTGAGGCACAGGTTGGACGCTGGCTCAAGCCTTCCTGTGGGAAGGGTCCTGGGAGGAC-3'